The following is an entry in ClinVar:

NM_006929.5(SKIC2):c.1205del (p.Ile402fs)

Genes: SKIC2 (SKI2 subunit of superkiller complex; plus strand), LOC126859653 (CDK7 strongly-dependent group 2 enhancer GRCh37_chr6:31929542-31930741; plus strand). Cytogenetic location: 6p21.33.
Variant type: Deletion.
Coding change: c.1205del on transcript NM_006929.5 (MANE Select); coding-DNA position 1205, one base deleted (T; older notation c.1205delT).
Protein change: p.Ile402fs; shifts the reading frame from isoleucine 402.
Molecular consequence: frameshift variant.
Genome position (GRCh38, 1-based): chr6:31,962,579, T deleted. VCF-style (leftmost placement, unchanged base first): chr6-31962578-AT-A. GRCh37 (hg19) VCF-style: chr6-31930355-AT-A.
Other names: short protein forms I402fs.
Identifiers: ClinVar variation 3650287 (VCV003650287.2).

ClinVar aggregate classification (germline): Pathogenic (1 of 4 stars; one submission).

Submission:

Labcorp Genetics (formerly Invitae), Labcorp
Classification: Pathogenic. Last evaluated: 2024-04-17. Review status: criteria provided, single submitter. Criteria: Invitae Variant Classification Sherloc (09022015). Collection method: clinical testing. Allele origin: germline.
Comment: This sequence change creates a premature translational stop signal (p.Ile402Thrfs*52) in the SKIV2L gene. It is expected to result in an absent or disrupted protein product. Loss-of-function variants in SKIV2L are known to be pathogenic (PMID: 22444670). This variant is not present in population databases (gnomAD no frequency). This variant has not been reported in the literature in individuals affected with SKIV2L-related conditions. For these reasons, this variant has been classified as Pathogenic.

Literature cited by the submitters: PubMed 22444670.